The following is an entry in ClinVar:

NM_000138.5(FBN1):c.2048G>A (p.Cys683Tyr)

Gene: FBN1 (fibrillin 1; minus strand). Cytogenetic location: 15q21.1.
Variant type: single nucleotide variant.
Coding change: c.2048G>A on transcript NM_000138.5 (MANE Select); coding-DNA position 2048, G replaced by A.
Protein change: p.Cys683Tyr; replaces cysteine 683 with tyrosine.
Molecular consequence: missense variant.
Genome position (GRCh38, 1-based): chr15:48,503,852, C>T on the plus strand (G>A on the coding strand, the complement: FBN1 is on the minus strand). VCF-style: chr15-48503852-C-T. GRCh37 (hg19) VCF-style: chr15-48796049-C-T.
Other names: short protein forms C683Y.
Identifiers: ClinVar variation 1220403 (VCV001220403.3), dbSNP rs2141315817, ClinGen allele CA392338336.

ClinVar aggregate classification (germline): Pathogenic (1 of 4 stars; one submission).

Submission:

GeneDx
Classification: Pathogenic. Last evaluated: 2020-12-15. Review status: criteria provided, single submitter. Criteria: GeneDx Variant Classification Process June 2021. Collection method: clinical testing. Allele origin: germline. Affected: yes.
Comment: Not observed in large population cohorts (Lek et al., 2016); In silico analysis supports that this missense variant has a deleterious effect on protein structure/function; Affects a cysteine residue within a calcium-binding EGF-like domain of the FBN1 gene, which may affect disulfide bonding and is predicted to alter the structure and function of the protein; cysteine substitutions in the calcium-binding EGF-like domains represent the majority of pathogenic missense changes associated with FBN1-related disorders (Collod-Beroud et al., 2003); This variant is associated with the following publications: (PMID: 19863550)